The following is an entry in ClinVar:

ClinVar aggregate classification (germline): Uncertain significance (1 of 4 stars; one submission).

gnomAD v4.1: 1 of 1,592,466 alleles (0.000063%); highest among the groups gnomAD compares: African/African-American, 0.0014%; no homozygotes.

Submission:

Ambry Genetics
Classification: Uncertain significance. Last evaluated: 2026-06-03. Review status: criteria provided, single submitter. Criteria: Ambry Variant Classification Scheme 2023. Collection method: clinical testing. Allele origin: germline.
Comment: The c.493G>A (p.A165T) alteration is located in exon 6 (coding exon 6) of the U2SURP gene. This alteration results from a G to A substitution at nucleotide position 493, causing the alanine (A) at amino acid position 165 to be replaced by a threonine (T). Based on data from gnomAD, the A allele has an overall frequency of <0.001% (1/228104) total alleles studied. The highest observed frequency was 0.007% (1/13808) of African alleles. Based on insufficient or conflicting evidence, the clinical significance of this alteration remains unclear.

NM_001080415.2(U2SURP):c.493G>A (p.Ala165Thr)

Gene: U2SURP (U2 snRNP associated SURP domain containing; plus strand). Cytogenetic location: 3q23.
Variant type: single nucleotide variant.
Coding change: c.493G>A on transcript NM_001080415.2 (MANE Select); coding-DNA position 493, G replaced by A.
Protein change: p.Ala165Thr; replaces alanine 165 with threonine.
Molecular consequence: missense variant. On other transcripts: 5 prime UTR variant (2).
Genome position (GRCh38, 1-based): chr3:143,016,898, G>A. VCF-style: chr3-143016898-G-A. GRCh37 (hg19) VCF-style: chr3-142735740-G-A.
Other names: c.493G>A, p.Ala165Thr (NM_001320219.2); c.-691G>A (NM_001320220.2); c.-872G>A (NM_001320222.2); short protein forms A165T.
Identifiers: ClinVar variation 4866286 (VCV004866286.1).
Genomic context (GRCh38, chr3:143,016,898, plus strand): 5'-TCAGAAGAACATGAAACAGATGAAAAAAGAGGTAAAATCTATAAGCCATCTTCAAGATTT[G>A]CAGATCAAAAAAATCCTCCAAATCAGTCTTCCAATGAAAGACCACCATCTCTTCTTGTGA-3'
Protein context (NP_001073884.1, residues 155-175): GKIYKPSSRF[Ala165Thr]DQKNPPNQSS